The following is an entry in ClinVar:

NM_000814.6(GABRB3):c.507C>G (p.Pro169=)

Gene: GABRB3 (gamma-aminobutyric acid type A receptor subunit beta3; minus strand). Cytogenetic location: 15q12.
Variant type: single nucleotide variant.
Coding change: c.507C>G on transcript NM_000814.6 (MANE Select); coding-DNA position 507, C replaced by G.
Protein change: p.Pro169=; no amino-acid change (proline 169 retained).
Molecular consequence: synonymous variant.
Genome position (GRCh38, 1-based): chr15:26,583,369, G>C on the plus strand (C>G on the coding strand, the complement: GABRB3 is on the minus strand). VCF-style: chr15-26583369-G-C. GRCh37 (hg19) VCF-style: chr15-26828516-G-C.
Other names: c.252C>G, p.Pro84= (NM_001191320.2, NM_001278631.2); c.294C>G, p.Pro98= (NM_001191321.3); c.507C>G, p.Pro169= (NM_021912.5).
Identifiers: ClinVar variation 2645021 (VCV002645021.24), dbSNP rs1374504568, ClinGen allele CA489071804.

ClinVar aggregate classification (germline): Likely benign (1 of 4 stars; one submission).

Allele frequency attached by ClinVar (database versions not stated): TOPMed 0.00001.
gnomAD v4.1: 2 of 1,614,020 alleles (0.00012%); highest among the groups gnomAD compares: Non-Finnish European, 0.00017%; no homozygotes.

Submission:

CeGaT Center for Human Genetics Tuebingen
Classification: Likely benign. Last evaluated: 2023-03-01. Review status: criteria provided, single submitter. Criteria: CeGaT Center For Human Genetics Tuebingen Variant Classification Criteria Version 2. Collection method: clinical testing. Allele origin: germline. Affected: yes. Observed: 1 variant allele.
Comment: GABRB3: PM2:Supporting, BP4, BP7